The following is an entry in ClinVar:

ClinVar aggregate classification (germline): Benign/Likely benign. Review status: criteria provided, multiple submitters, no conflicts (2 of 4 stars). 20 submissions from 20 submitters: Benign (8); Likely benign (7). 5 of the submissions do not count toward it. Last evaluated 2026-02-03.

Conditions:
POLD1-related disorder. Also called: POLD1-related disorders; POLD1-related condition.
Hereditary cancer-predisposing syndrome. Also called: Neoplastic Syndromes, Hereditary; Hereditary Cancer Syndrome; Tumor predisposition; Hereditary neoplastic syndrome. Identifiers: Orphanet 140162, MedGen C0027672, MeSH D009386, MONDO:0015356.
POLD1-related polyposis and colorectal cancer syndrome (CRCS10). Also called: Colorectal cancer 10; Colorectal cancer, susceptibility to, 10; COLORECTAL CANCER, SUSCEPTIBILITY TO, ON CHROMOSOME 19q. Identifiers: Orphanet 220460, MedGen C2675481, MONDO:0012953, OMIM 612591.
Carcinoma of colon (CRC). Also called: Colonic carcinoma; Colon carcinoma. Identifiers: MedGen C0699790, MONDO:0002032.

Allele frequency attached by ClinVar (database versions not stated): ExAC 0.00126; gnomAD 0.00128 and 0.00135; 1000 Genomes Project 0.00140; 1000 Genomes Project 30x 0.00141; TOPMed 0.00148; ESP Exome Variant Server 0.00223.
gnomAD v4.1: 2,666 of 1,613,524 alleles (0.17%); highest among the groups gnomAD compares: Non-Finnish European, 0.2%; 3 homozygotes.

Submissions (20):

Labcorp Genetics (formerly Invitae), Labcorp
Classification: Benign for POLD1-related polyposis and colorectal cancer syndrome. Last evaluated: 2026-02-03. Review status: criteria provided, single submitter. Criteria: Invitae Variant Classification Sherloc (09022015). Collection method: clinical testing. Allele origin: germline.

Center for Genomic Medicine, Rigshospitalet, Copenhagen University Hospital
Classification: Likely benign. Last evaluated: 2025-03-04. Review status: criteria provided, single submitter. Criteria: ACMG Guidelines, 2015. Collection method: clinical testing. Allele origin: germline.

KCCC/NGS Laboratory, Kuwait Cancer Control Center
Classification: Benign for POLD1-related polyposis and colorectal cancer syndrome. Last evaluated: 2025-02-01. Review status: criteria provided, single submitter. Criteria: ACMG Guidelines, 2015. Collection method: clinical testing. Allele origin: germline. Affected: no.

Mayo Clinic Laboratories, Mayo Clinic
Classification: Likely benign. Last evaluated: 2025-01-18. Review status: criteria provided, single submitter. Criteria: ACMG Guidelines, 2015. Collection method: clinical testing. Allele origin: germline. Observed: 3 variant alleles.
Comment: BP4, BP7

Blueprint Genetics
Classification: Likely benign. Last evaluated: 2024-10-23. Review status: criteria provided, single submitter. Criteria: ACMG Guidelines, 2015. Collection method: clinical testing. Allele origin: germline.

CeGaT Center for Human Genetics Tuebingen
Classification: Likely benign. Last evaluated: 2024-08-01. Review status: criteria provided, single submitter. Criteria: CeGaT Center For Human Genetics Tuebingen Variant Classification Criteria Version 2. Collection method: clinical testing. Allele origin: germline. Affected: yes. Observed: 4 variant alleles.
Comment: POLD1: BP4, BS1

ARUP Laboratories, Molecular Genetics and Genomics, ARUP Laboratories
Classification: Benign. Last evaluated: 2022-09-16. Review status: criteria provided, single submitter. Criteria: ARUP Molecular Germline Variant Investigation Process 2021. Collection method: clinical testing. Allele origin: germline.

Sema4
Classification: Benign for Hereditary cancer-predisposing syndrome. Last evaluated: 2020-07-28. Review status: criteria provided, single submitter. Criteria: Sema4 Curation Guidelines. Collection method: curation. Allele origin: germline.

Mendelics
Classification: Likely benign for POLD1-related polyposis and colorectal cancer syndrome. Last evaluated: 2019-05-28. Review status: criteria provided, single submitter. Criteria: Mendelics Assertion Criteria 2017. Collection method: clinical testing. Allele origin: unknown.

Ambry Genetics
Classification: Likely benign for Hereditary cancer-predisposing syndrome. Last evaluated: 2018-06-28. Review status: criteria provided, single submitter. Criteria: Ambry Variant Classification Scheme 2023. Collection method: clinical testing. Allele origin: germline.

Quest Diagnostics Nichols Institute San Juan Capistrano
Classification: Benign. Last evaluated: 2018-04-27. Review status: criteria provided, single submitter. Criteria: Quest Diagnostics criteria. Collection method: clinical testing. Allele origin: unknown.

GeneDx
Classification: Likely benign. Last evaluated: 2017-12-20. Review status: criteria provided, single submitter. Criteria: GeneDx Variant Classification (06012015). Collection method: clinical testing. Allele origin: germline. Affected: yes.
Comment: This variant is considered likely benign or benign based on one or more of the following criteria: it is a conservative change, it occurs at a poorly conserved position in the protein, it is predicted to be benign by multiple in silico algorithms, and/or has population frequency not consistent with disease.

Genetic Services Laboratory, University of Chicago
Classification: Benign. Last evaluated: 2017-08-29. Review status: criteria provided, single submitter. Criteria: ACMG Guidelines, 2015. Collection method: clinical testing. Allele origin: germline. Affected: no.

Women's Health and Genetics/Laboratory Corporation of America, LabCorp
Classification: Benign. Last evaluated: 2017-08-09. Review status: criteria provided, single submitter. Criteria: LabCorp Variant Classification Summary - May 2015. Collection method: clinical testing. Allele origin: germline.
Comment: Variant summary: The POLD1 c.2007-4G>A variant involves the alteration of a non-conserved intronic nucleotide. One in silico tool predicts a benign outcome for this variant. 5/5 splice prediction tools predict no significant impact on normal splicing. However, these predictions have yet to be confirmed by functional studies. This variant was found in 151/120110 control chromosomes (1 homozygote) at a frequency of 0.0012572, which is approximately 89 times the estimated maximal expected allele frequency of a pathogenic POLD1 variant (0.0000142), suggesting this variant is likely a benign polymorphism. In addition, multiple clinical diagnostic laboratories/reputable databases classified this variant as benign. The variant of interest has not, to our knowledge, been reported in affected individuals via publications and/or reputable databases/clinical diagnostic laboratories; nor evaluated for functional impact by in vivo/vitro studies. Taken together, this variant is classified as benign.

Genomic Diagnostic Laboratory, Division of Genomic Diagnostics, Children's Hospital of Philadelphia
Classification: Benign. Last evaluated: 2015-07-22. Review status: criteria provided, single submitter. Criteria: DGD Variant Analysis Guidelines. Collection method: clinical testing. Allele origin: unknown.

PreventionGenetics, part of Exact Sciences
Classification: Likely benign for POLD1-related condition. Last evaluated: 2024-05-01. Review status: no assertion criteria provided. Collection method: clinical testing. Allele origin: germline. Not counted in ClinVar's aggregate classification.
Comment: This variant is classified as likely benign based on ACMG/AMP sequence variant interpretation guidelines (Richards et al. 2015 PMID: 25741868, with internal and published modifications).

Counsyl
Classification: Likely benign for POLD1-related polyposis and colorectal cancer syndrome. Last evaluated: 2016-09-02. Review status: no assertion criteria provided. Collection method: clinical testing. Allele origin: unknown. Not counted in ClinVar's aggregate classification.

Clinical Genetics, Academic Medical Center
Classification: Benign. Review status: no assertion criteria provided. Collection method: clinical testing. Allele origin: germline. Affected: yes. Study: VKGL Data-share Consensus. Not counted in ClinVar's aggregate classification.

Department of Pathology and Laboratory Medicine, Sinai Health System
Classification: Likely benign for Carcinoma of colon. Review status: no assertion criteria provided. Collection method: clinical testing. Allele origin: unknown. Affected: yes. Observed: 1 variant allele. Study: The Canadian Open Genetics Repository (COGR). Not counted in ClinVar's aggregate classification.
Comment: The POLD1 c.2007-4G>A variant was not identified in the literature nor was it identified in the Cosmic database. The variant was identified in dbSNP (ID: rs202035484 as "With Likely benign, Uncertain significance, other allele"), ClinVar (3x as benign by Invitae, and two other clinical laboratories and 4x as likely benign by Counsyl, GeneDx, Ambry Genetics and one other clinical laboratory), and in LOVD 3.0 (2x as benign). The variant was identified in control databases in 346 of 275244 chromosomes (1 homozygous) at a frequency of 0.001, increasing the likelihood this could be a low frequency benign variant (Genome Aggregation Database Feb 27, 2017). The variant was observed in the following populations: African in 9 of 23976 chromosomes (freq: 0.0004), Other in 5 of 6442 chromosomes (freq: 0.0008), Latino in 37 of 34414 chromosomes (freq: 0.001), European in 237 of 124870 chromosomes (freq: 0.002), Ashkenazi Jewish in 2 of 10138 chromosomes (freq: 0.0002), Finnish in 48 of 25786 chromosomes (freq: 0.002), and South Asian in 8 of 30782 chromosomes (freq: 0.0003); it was not observed in the East Asian population. The variant occurs outside of the splicing consensus sequence and in silico or computational prediction software programs (SpliceSiteFinder, MaxEntScan, NNSPLICE, GeneSplicer) do not predict a difference in splicing. In summary, based on the above information the clinical significance of this variant cannot be determined with certainty at this time although we would lean towards a more benign role for this variant. This variant is classified as likely benign.

Genome Diagnostics Laboratory, Amsterdam University Medical Center
Classification: Benign. Review status: no assertion criteria provided. Collection method: clinical testing. Allele origin: germline. Affected: yes. Study: VKGL Data-share Consensus. Not counted in ClinVar's aggregate classification.

Literature cited by the submitters: PubMed 27435373 (cited by Ambry Genetics).

NM_002691.4(POLD1):c.2007-4G>A

Gene: POLD1 (DNA polymerase delta 1, catalytic subunit; plus strand). Cytogenetic location: 19q13.33.
Variant type: single nucleotide variant.
Coding change: c.2007-4G>A on transcript NM_002691.4 (MANE Select); 4 bases into the intron before coding-DNA position 2007, G replaced by A.
Molecular consequence: intron variant.
Genome position (GRCh38, 1-based): chr19:50,409,515, G>A. VCF-style: chr19-50409515-G-A. GRCh37 (hg19) VCF-style: chr19-50912772-G-A.
Other names: p.?; c.2085-4G>A (NM_001308632.1, LRG_785t2); c.2007-4G>A (NM_001256849.1, LRG_785t1).
Identifiers: ClinVar variation 218562 (VCV000218562.80), dbSNP rs202035484, ClinGen allele CA339644.